The following is an entry in ClinVar:

NM_018062.4(FANCL):c.57C>G (p.Asn19Lys)

Gene: FANCL (FA complementation group L; minus strand). Cytogenetic location: 2p16.1.
Variant type: single nucleotide variant.
Coding change: c.57C>G on transcript NM_018062.4 (MANE Select); coding-DNA position 57, C replaced by G.
Protein change: p.Asn19Lys; replaces asparagine 19 with lysine.
Molecular consequence: missense variant.
Genome position (GRCh38, 1-based): chr2:58,241,257, G>C on the plus strand (C>G on the coding strand, the complement: FANCL is on the minus strand). VCF-style: chr2-58241257-G-C. GRCh37 (hg19) VCF-style: chr2-58468392-G-C.
Other names: c.57C>G, p.Asn19Lys (NM_001114636.2, NM_001374615.1, NM_001410792.1); short protein forms N19K.
Identifiers: ClinVar variation 1363979 (VCV001363979.8), dbSNP rs1694517921, ClinGen allele CA347035122.

ClinVar aggregate classification (germline): Uncertain significance (1 of 4 stars; one submission).

Conditions:
Fanconi anemia (FA). Also called: Fanconi's anemia. Identifiers: Orphanet 84, MedGen C0015625, MeSH D005199, MONDO:0019391.

gnomAD v4.1: 1 of 1,614,278 alleles (0.000062%); highest among the groups gnomAD compares: Non-Finnish European, 0.000085%; no homozygotes.

Submission:

Labcorp Genetics (formerly Invitae), Labcorp
Classification: Uncertain significance for Fanconi anemia. Last evaluated: 2021-06-01. Review status: criteria provided, single submitter. Criteria: Invitae Variant Classification Sherloc (09022015). Collection method: clinical testing. Allele origin: germline.
Comment: In summary, the available evidence is currently insufficient to determine the role of this variant in disease. Therefore, it has been classified as a Variant of Uncertain Significance. This sequence change replaces asparagine with lysine at codon 19 of the FANCL protein (p.Asn19Lys). The asparagine residue is highly conserved and there is a moderate physicochemical difference between asparagine and lysine. This variant is not present in population databases (ExAC no frequency). This variant has not been reported in the literature in individuals with FANCL-related conditions. Algorithms developed to predict the effect of missense changes on protein structure and function are either unavailable or do not agree on the potential impact of this missense change (SIFT: "Tolerated"; PolyPhen-2: "Possibly Damaging"; Align-GVGD: "Class C0"). Algorithms developed to predict the effect of sequence changes on RNA splicing suggest that this variant may create or strengthen a splice site, but this prediction has not been confirmed by published transcriptional studies.